The following is an entry in ClinVar:

ClinVar aggregate classification (germline): Uncertain significance (1 of 4 stars; one submission).

gnomAD v4.1: 3 of 1,613,998 alleles (0.00019%); highest among the groups gnomAD compares: Admixed American, 0.0017%; no homozygotes.

Submission:

GeneDx
Classification: Uncertain significance. Last evaluated: 2023-06-27. Review status: criteria provided, single submitter. Criteria: GeneDx Variant Classification Process June 2021. Collection method: clinical testing. Allele origin: germline. Affected: yes.
Comment: Has not been previously published as pathogenic or benign to our knowledge; In silico analysis supports that this missense variant does not alter protein structure/function

NM_001048166.1(STIL):c.1733C>T (p.Pro578Leu)

Gene: STIL (STIL centriolar assembly protein; minus strand). Cytogenetic location: 1p33.
Variant type: single nucleotide variant.
Coding change: c.1733C>T on transcript NM_001048166.1 (MANE Select); coding-DNA position 1733, C replaced by T.
Protein change: p.Pro578Leu; replaces proline 578 with leucine.
Molecular consequence: missense variant.
Genome position (GRCh38, 1-based): chr1:47,280,725, G>A on the plus strand (C>T on the coding strand, the complement: STIL is on the minus strand). VCF-style: chr1-47280725-G-A. GRCh37 (hg19) VCF-style: chr1-47746397-G-A.
Other names: c.1733C>T, p.Pro578Leu (NM_001282936.1, NM_001282937.1, NM_003035.2); c.1592C>T, p.Pro531Leu (NM_001282938.1, NM_001282939.1, NM_001377417.1); short protein forms P531L, P578L.
Identifiers: ClinVar variation 3360594 (VCV003360594.1).